The following is an entry in ClinVar:

ClinVar aggregate classification (germline): Uncertain significance. Review status: criteria provided, multiple submitters, no conflicts (2 of 4 stars). 3 submissions from 3 submitters: Uncertain significance (3). Last evaluated 2024-02-06.

Conditions:
Hereditary cancer-predisposing syndrome. Also called: Tumor predisposition; Hereditary neoplastic syndrome; Neoplastic Syndromes, Hereditary; Hereditary Cancer Syndrome. Identifiers: Orphanet 140162, MedGen C0027672, MeSH D009386, MONDO:0015356.
BAP1-related tumor predisposition syndrome (TPDS1). Also called: Tumor susceptibility linked to germline BAP1 mutations; BAP1 tumor predisposition syndrome; COMMON Syndrome; TUMOR PREDISPOSITION SYNDROME 1. Identifiers: Orphanet 289539, MedGen C3280492, MONDO:0013692, OMIM 614327.

Allele frequency attached by ClinVar (database versions not stated): gnomAD exomes below 0.00001.

Submissions (3):

Baylor Genetics
Classification: Uncertain significance for BAP1-related tumor predisposition syndrome. Last evaluated: 2024-02-06. Review status: criteria provided, single submitter. Criteria: ACMG Guidelines, 2015. Collection method: clinical testing. Allele origin: unknown.

Ambry Genetics
Classification: Uncertain significance for Hereditary cancer-predisposing syndrome. Last evaluated: 2023-09-21. Review status: criteria provided, single submitter. Criteria: Ambry Variant Classification Scheme 2023. Collection method: clinical testing. Allele origin: germline.
Comment: The p.V530M variant (also known as c.1588G>A), located in coding exon 13 of the BAP1 gene, results from a G to A substitution at nucleotide position 1588. The valine at codon 530 is replaced by methionine, an amino acid with highly similar properties. This amino acid position is conserved. In addition, the in silico prediction for this alteration is inconclusive. Since supporting evidence is limited at this time, the clinical significance of this alteration remains unclear.

Labcorp Genetics (formerly Invitae), Labcorp
Classification: Uncertain significance for BAP1-related tumor predisposition syndrome. Last evaluated: 2022-06-13. Review status: criteria provided, single submitter. Criteria: Invitae Variant Classification Sherloc (09022015). Collection method: clinical testing. Allele origin: germline.
Comment: This sequence change replaces valine, which is neutral and non-polar, with methionine, which is neutral and non-polar, at codon 530 of the BAP1 protein (p.Val530Met). This variant is not present in population databases (gnomAD no frequency). This variant has not been reported in the literature in individuals affected with BAP1-related conditions. Algorithms developed to predict the effect of missense changes on protein structure and function are either unavailable or do not agree on the potential impact of this missense change (SIFT: "Deleterious"; PolyPhen-2: "Probably Damaging"; Align-GVGD: "Class C0"). Algorithms developed to predict the effect of sequence changes on RNA splicing suggest that this variant may disrupt the consensus splice site. In summary, the available evidence is currently insufficient to determine the role of this variant in disease. Therefore, it has been classified as a Variant of Uncertain Significance.

NM_004656.4(BAP1):c.1588G>A (p.Val530Met)

Gene: BAP1 (BRCA1 associated deubiquitinase 1; minus strand). Cytogenetic location: 3p21.1.
Variant type: single nucleotide variant.
Coding change: c.1588G>A on transcript NM_004656.4 (MANE Select); coding-DNA position 1588, G replaced by A.
Protein change: p.Val530Met; replaces valine 530 with methionine.
Molecular consequence: missense variant.
Genome position (GRCh38, 1-based): chr3:52,403,557, C>T on the plus strand (G>A on the coding strand, the complement: BAP1 is on the minus strand). VCF-style: chr3-52403557-C-T. GRCh37 (hg19) VCF-style: chr3-52437573-C-T.
Other names: c.1534G>A, p.Val512Met (NM_001410772.1); short protein forms V530M, V512M.
Identifiers: ClinVar variation 2157046 (VCV002157046.3), dbSNP rs2153226656, ClinGen allele CA353100541.